The following is an entry in ClinVar:

ClinVar aggregate classification (germline): Uncertain significance (1 of 4 stars; one submission).

Submission:

Ambry Genetics
Classification: Uncertain significance. Last evaluated: 2026-05-14. Review status: criteria provided, single submitter. Criteria: Ambry Variant Classification Scheme 2023. Collection method: clinical testing. Allele origin: germline.
Comment: The p.L458V variant (also known as c.1372C>G), located in coding exon 14 of the SRP72 gene, results from a C to G substitution at nucleotide position 1372. The leucine at codon 458 is replaced by valine, an amino acid with highly similar properties. This amino acid position is conserved. In addition, the in silico prediction for this alteration is inconclusive. Based on the available evidence, the clinical significance of this variant remains unclear.

NM_006947.4(SRP72):c.1372C>G (p.Leu458Val)

Gene: SRP72 (signal recognition particle 72; plus strand). Cytogenetic location: 4q12.
Variant type: single nucleotide variant.
Coding change: c.1372C>G on transcript NM_006947.4 (MANE Select); coding-DNA position 1372, C replaced by G.
Protein change: p.Leu458Val; replaces leucine 458 with valine.
Molecular consequence: missense variant. On other transcripts: non-coding transcript variant (1).
Genome position (GRCh38, 1-based): chr4:56,490,384, C>G. VCF-style: chr4-56490384-C-G. GRCh37 (hg19) VCF-style: chr4-57356550-C-G.
Other names: c.1189C>G, p.Leu397Val (NM_001267722.2); short protein forms L397V, L458V.
Identifiers: ClinVar variation 4865142 (VCV004865142.1).